The following is an entry in ClinVar:

ClinVar aggregate classification (germline): Pathogenic. Review status: reviewed by expert panel (3 of 4 stars). 2 submissions from 2 submitters: Pathogenic (1). 1 of the submissions does not count toward it. Last evaluated 2016-09-08.

Conditions:
Breast-ovarian cancer, familial, susceptibility to, 2 (BROVCA2). Also called: BRCA2 Hereditary Breast and Ovarian Cancer. Identifiers: Orphanet 145, MedGen C2675520, MONDO:0012933, OMIM 612555. Disease mechanism: loss of function.

Submissions (2):

Evidence-based Network for the Interpretation of Germline Mutant Alleles (ENIGMA)
Classification: Pathogenic for Breast-ovarian cancer, familial, susceptibility to, 2. Last evaluated: 2016-09-08. Review status: reviewed by expert panel. Criteria: ENIGMA BRCA1/2 Classification Criteria (2015). Collection method: curation. Allele origin: germline.
Comment: Variant allele predicted to encode a truncated non-functional protein.

Consortium of Investigators of Modifiers of BRCA1/2 (CIMBA), c/o University of Cambridge
Classification: Pathogenic for Breast-ovarian cancer, familial, susceptibility to, 2. Last evaluated: 2015-10-02. Review status: criteria provided, single submitter. Criteria: CIMBA Mutation Classification guidelines May 2016. Collection method: clinical testing. Allele origin: germline. Not counted in ClinVar's aggregate classification.

NM_000059.4(BRCA2):c.6948_6949insTT (p.Asp2317fs)

Gene: BRCA2 (BRCA2 DNA repair associated; plus strand). Cytogenetic location: 13q13.1.
Variant type: Insertion.
Coding change: c.6948_6949insTT on transcript NM_000059.4 (MANE Select); coding-DNA positions 6948 to 6949, TT inserted.
Protein change: p.Asp2317fs; shifts the reading frame from aspartic acid 2317.
Molecular consequence: frameshift variant.
Genome position: GRCh38 VCF-style: chr13-32346837-A-ATT. GRCh37 (hg19) VCF-style: chr13-32920974-A-ATT.
Other names: short protein forms D2317fs.
Identifiers: ClinVar variation 254591 (VCV000254591.5), dbSNP rs886038156, ClinGen allele CA10586565.